The following is an entry in ClinVar:

NM_006206.6(PDGFRA):c.924T>C (p.Ser308=)

Gene: PDGFRA (platelet derived growth factor receptor alpha; plus strand). Cytogenetic location: 4q12.
Variant type: single nucleotide variant.
Coding change: c.924T>C on transcript NM_006206.6 (MANE Select); coding-DNA position 924, T replaced by C.
Protein change: p.Ser308=; no amino-acid change (serine 308 retained).
Molecular consequence: synonymous variant.
Genome position (GRCh38, 1-based): chr4:54,267,453, T>C. VCF-style: chr4-54267453-T-C. GRCh37 (hg19) VCF-style: chr4-55133620-T-C.
Other names: c.924T>C, p.Ser308= (NM_001347827.2, NM_001347829.2); c.999T>C, p.Ser333= (NM_001347828.2); c.963T>C, p.Ser321= (NM_001347830.2).
Identifiers: ClinVar variation 748090 (VCV000748090.14), dbSNP rs1220005025, ClinGen allele CA439286457.

ClinVar aggregate classification (germline): Benign/Likely benign. Review status: criteria provided, multiple submitters, no conflicts (2 of 4 stars). 3 submissions from 3 submitters: Benign (1); Likely benign (2). Last evaluated 2026-06-16.

Conditions:
Gastrointestinal stromal tumor. Also called: Gastrointestinal stromal tumor, somatic; Gastrointestinal stroma tumor. Identifiers: Orphanet 44890, MedGen C0238198, MeSH D046152, MONDO:0011719, OMIM 606764, HP:0100723.
Polyps, multiple and recurrent inflammatory fibroid, gastrointestinal. Identifiers: MedGen C5193005, MONDO:0008285, OMIM 175510.
Hereditary cancer-predisposing syndrome. Also called: Neoplastic Syndromes, Hereditary; Hereditary Cancer Syndrome; Hereditary neoplastic syndrome; Tumor predisposition. Identifiers: Orphanet 140162, MedGen C0027672, MeSH D009386, MONDO:0015356.

Allele frequency attached by ClinVar (database versions not stated): gnomAD 0.00001; TOPMed 0.00001; gnomAD exomes 0.00003.
gnomAD v4.1: 28 of 1,614,082 alleles (0.0017%); highest among the groups gnomAD compares: Non-Finnish European, 0.0024%; no homozygotes.

Submissions (3):

Myriad Genetics, Inc.
Classification: Benign for Polyps, multiple and recurrent inflammatory fibroid, gastrointestinal. Last evaluated: 2026-06-16. Review status: criteria provided, single submitter. Criteria: Myriad Autosomal Dominant, Autosomal Recessive and X-Linked Classification Criteria (2023). Collection method: clinical testing. Allele origin: unknown.
Comment: This variant is considered benign. This variant is a silent/synonymous amino acid change and it is not expected to impact splicing.

Labcorp Genetics (formerly Invitae), Labcorp
Classification: Likely benign for Gastrointestinal stromal tumor. Last evaluated: 2025-12-21. Review status: criteria provided, single submitter. Criteria: Invitae Variant Classification Sherloc (09022015). Collection method: clinical testing. Allele origin: germline.

Ambry Genetics
Classification: Likely benign for Hereditary cancer-predisposing syndrome. Last evaluated: 2022-02-28. Review status: criteria provided, single submitter. Criteria: Ambry Variant Classification Scheme 2023. Collection method: clinical testing. Allele origin: germline.